The following is an entry in ClinVar:

ClinVar aggregate classification (germline): Uncertain significance (1 of 4 stars; one submission).

Submission:

Labcorp Genetics (formerly Invitae), Labcorp
Classification: Uncertain significance. Last evaluated: 2025-05-18. Review status: criteria provided, single submitter. Criteria: Invitae Variant Classification Sherloc (09022015). Collection method: clinical testing. Allele origin: germline.
Comment: This sequence change falls in intron 3 of the OPA1 gene. It does not directly change the encoded amino acid sequence of the OPA1 protein. It affects a nucleotide within the consensus splice site. This variant is not present in population databases (gnomAD no frequency). This variant has not been reported in the literature in individuals affected with OPA1-related conditions. Variants that disrupt the consensus splice site are a relatively common cause of aberrant splicing (PMID: 17576681, 9536098). Algorithms developed to predict the effect of sequence changes on RNA splicing suggest that this variant is not likely to affect RNA splicing. In summary, the available evidence is currently insufficient to determine the role of this variant in disease. Therefore, it has been classified as a Variant of Uncertain Significance.

Literature cited by the submitters: PubMed 17576681; PubMed 9536098.

NM_130837.3(OPA1):c.449-3C>T

Gene: OPA1 (OPA1 mitochondrial dynamin like GTPase; plus strand). Cytogenetic location: 3q29.
Variant type: single nucleotide variant.
Coding change: c.449-3C>T on transcript NM_130837.3 (MANE Select); 3 bases into the intron before coding-DNA position 449, C replaced by T.
Molecular consequence: intron variant.
Genome position (GRCh38, 1-based): chr3:193,617,175, C>T. VCF-style: chr3-193617175-C-T. GRCh37 (hg19) VCF-style: chr3-193334964-C-T.
Other names: c.77-3C>T (NM_001354664.2); c.76+1405C>T (NM_001354663.2); c.449-3C>T (NM_130834.3, NM_130836.3, NM_015560.3); c.449-609C>T (NM_130835.3, NM_130832.3); c.448+1405C>T (NM_130833.3, NM_130831.3).
Identifiers: ClinVar variation 4718830 (VCV004718830.1).